The following is an entry in ClinVar:

NM_004104.5(FASN):c.413C>A (p.Ala138Glu)

Gene: FASN (fatty acid synthase; minus strand). Cytogenetic location: 17q25.3.
Variant type: single nucleotide variant.
Coding change: c.413C>A on transcript NM_004104.5 (MANE Select); coding-DNA position 413, C replaced by A.
Protein change: p.Ala138Glu; replaces alanine 138 with glutamic acid.
Molecular consequence: missense variant.
Genome position (GRCh38, 1-based): chr17:82,093,639, G>T on the plus strand (C>A on the coding strand, the complement: FASN is on the minus strand). VCF-style: chr17-82093639-G-T. GRCh37 (hg19) VCF-style: chr17-80051515-G-T.
Other names: short protein forms A138E.
Identifiers: ClinVar variation 1053103 (VCV001053103.9), dbSNP rs2144808481, ClinGen allele CA401564997.

ClinVar aggregate classification (germline): Uncertain significance (1 of 4 stars; one submission).

Conditions:
Epileptic encephalopathy. Identifiers: MedGen C0543888, HP:0200134.

Submission:

Labcorp Genetics (formerly Invitae), Labcorp
Classification: Uncertain significance for Epileptic encephalopathy. Last evaluated: 2020-07-10. Review status: criteria provided, single submitter. Criteria: Invitae Variant Classification Sherloc (09022015). Collection method: clinical testing. Allele origin: germline.
Comment: In summary, the available evidence is currently insufficient to determine the role of this variant in disease. Therefore, it has been classified as a Variant of Uncertain Significance. Algorithms developed to predict the effect of missense changes on protein structure and function are either unavailable or do not agree on the potential impact of this missense change (SIFT: "Deleterious"; PolyPhen-2: "Probably Damaging"; Align-GVGD: "Class C0"). This variant has not been reported in the literature in individuals with FASN-related conditions. This variant is not present in population databases (ExAC no frequency). This sequence change replaces alanine with glutamic acid at codon 138 of the FASN protein (p.Ala138Glu). The alanine residue is highly conserved and there is a moderate physicochemical difference between alanine and glutamic acid.